The following is an entry in ClinVar:

NM_003673.4(TCAP):c.473G>A (p.Arg158His)

Gene: TCAP (titin-cap; plus strand). Cytogenetic location: 17q12.
Variant type: single nucleotide variant.
Coding change: c.473G>A on transcript NM_003673.4 (MANE Select); coding-DNA position 473, G replaced by A.
Protein change: p.Arg158His; replaces arginine 158 with histidine.
Molecular consequence: missense variant.
Genome position (GRCh38, 1-based): chr17:39,666,078, G>A. VCF-style: chr17-39666078-G-A. GRCh37 (hg19) VCF-style: chr17-37822331-G-A.
Other names: short protein forms R158H.
Identifiers: ClinVar variation 44712 (VCV000044712.17), dbSNP rs397516864, ClinGen allele CA134931.

ClinVar aggregate classification (germline): Uncertain significance. Review status: criteria provided, multiple submitters, no conflicts (2 of 4 stars). 4 submissions from 4 submitters: Uncertain significance (4). Last evaluated 2026-01-19.

Conditions:
Hypertrophic cardiomyopathy 25 (CMH25). Also called: CARDIOMYOPATHY, FAMILIAL HYPERTROPHIC, 25. Identifiers: MedGen C4225408, MONDO:0011843, OMIM 607487.
Primary familial hypertrophic cardiomyopathy (HCM). Identifiers: Orphanet 99739, MedGen C0949658, MeSH D024741, MONDO:0024573. Inheritance: Various modes of inheritance.
Cardiovascular phenotype. Identifiers: MedGen CN230736.

Allele frequency attached by ClinVar (database versions not stated): ExAC 0.00001; gnomAD 0.00001 and 0.00002; gnomAD exomes 0.00001; TOPMed 0.00001.

Submissions (4):

Labcorp Genetics (formerly Invitae), Labcorp
Classification: Uncertain significance for Hypertrophic cardiomyopathy 25; Primary familial hypertrophic cardiomyopathy. Last evaluated: 2026-01-19. Review status: criteria provided, single submitter. Criteria: Invitae Variant Classification Sherloc (09022015). Collection method: clinical testing. Allele origin: germline.
Comment: This sequence change replaces arginine, which is basic and polar, with histidine, which is basic and polar, at codon 158 of the TCAP protein (p.Arg158His). The frequency data for this variant in the population databases is considered unreliable, as metrics indicate poor data quality at this position in the gnomAD database. This variant has not been reported in the literature in individuals affected with TCAP-related conditions. ClinVar contains an entry for this variant (Variation ID: 44712). An algorithm developed to predict the effect of missense changes on protein structure and function (PolyPhen-2) suggests that this variant is likely to be disruptive. This variant disrupts the p.Arg158 amino acid residue in TCAP. Other variant(s) that disrupt this residue have been observed in individuals with TCAP-related conditions (internal data), which suggests that this may be a clinically significant amino acid residue. In summary, the available evidence is currently insufficient to determine the role of this variant in disease. Therefore, it has been classified as a Variant of Uncertain Significance.

GeneDx
Classification: Uncertain significance. Last evaluated: 2024-09-10. Review status: criteria provided, single submitter. Criteria: GeneDx Variant Classification Process June 2021. Collection method: clinical testing. Allele origin: germline. Affected: yes.
Comment: Not observed at significant frequency in large population cohorts (gnomAD); Missense variants in this gene are a common cause of disease and they are underrepresented in the general population; In silico analysis supports that this missense variant has a deleterious effect on protein structure/function; Has not been previously published as pathogenic or benign to our knowledge; This variant is associated with the following publications: (PMID: 16490376)

Ambry Genetics
Classification: Uncertain significance for Cardiovascular phenotype. Last evaluated: 2021-11-03. Review status: criteria provided, single submitter. Criteria: Ambry General Variant Classification Scheme_2022. Collection method: clinical testing. Allele origin: germline. Observed: 1 variant allele.
Comment: The p.R158H variant (also known as c.473G>A), located in coding exon 2 of the TCAP gene, results from a G to A substitution at nucleotide position 473. The arginine at codon 158 is replaced by histidine, an amino acid with highly similar properties. Other alterations affecting this amino acid (p.R158C, c.472C>T and p.R158S, c.472C>A) have been detected in dilated cardiomyopathy cohorts; however, clinical details were limited (Hirtle-Lewis M et al. Clin Cardiol. 2013;36:628-33; Akinrinade O et al. Eur Heart J. 2015;36:2327-37). This amino acid position is highly conserved in available vertebrate species. In addition, the in silico prediction for this alteration is inconclusive. Since supporting evidence is limited at this time, the clinical significance of this alteration remains unclear.

Laboratory for Molecular Medicine, Mass General Brigham Personalized Medicine
Classification: Uncertain significance. Last evaluated: 2012-04-13. Review status: criteria provided, single submitter. Criteria: LMM Criteria. Collection method: clinical testing. Allele origin: germline. Observed: 2 variant alleles.
Comment: Computational analyses (biochemical amino acid properties, co nservation, AlignGVGD, PolyPhen2, and SIFT) suggest that this variant may impact the protein, though this information is not predictive enough to determine path ogenicity. A dditional information is needed to fully assess the clinical significance of the Arg158His variant.

Literature cited by the submitters: PubMed 24037902 (cited by Ambry Genetics); PubMed 26084686 (cited by Ambry Genetics); PubMed 27532257 (cited by Ambry Genetics).